The following is an entry in ClinVar:

NM_033305.3(VPS13A):c.5051del (p.Ala1684fs)

Gene: VPS13A (vacuolar protein sorting 13 homolog A; plus strand). Cytogenetic location: 9q21.2.
Variant type: Deletion.
Coding change: c.5051del on transcript NM_033305.3 (MANE Select); coding-DNA position 5051, one base deleted (C; older notation c.5051delC).
Protein change: p.Ala1684fs; shifts the reading frame from alanine 1684.
Molecular consequence: frameshift variant.
Genome position (GRCh38, 1-based): chr9:77,318,329, C deleted. VCF-style (leftmost placement, unchanged base first): chr9-77318328-GC-G. GRCh37 (hg19) VCF-style: chr9-79933244-GC-G.
Other names: c.4934del, p.Ala1645fs (NM_001018037.2); c.5051del, p.Ala1684fs (NM_001018038.3, NM_015186.4); short protein forms A1645fs, A1684fs.
Identifiers: ClinVar variation 2757110 (VCV002757110.3), dbSNP rs2537995802, ClinGen allele CA2697557785.

ClinVar aggregate classification (germline): Pathogenic (1 of 4 stars; one submission).

Submission:

Labcorp Genetics (formerly Invitae), Labcorp
Classification: Pathogenic. Last evaluated: 2023-09-01. Review status: criteria provided, single submitter. Criteria: Invitae Variant Classification Sherloc (09022015). Collection method: clinical testing. Allele origin: germline.
Comment: For these reasons, this variant has been classified as Pathogenic. This variant has not been reported in the literature in individuals affected with VPS13A-related conditions. This variant is not present in population databases (gnomAD no frequency). This sequence change creates a premature translational stop signal (p.Ala1684Aspfs*12) in the VPS13A gene. It is expected to result in an absent or disrupted protein product. Loss-of-function variants in VPS13A are known to be pathogenic (PMID: 12404112, 21598378).

Literature cited by the submitters: PubMed 12404112; PubMed 21598378.